The following is an entry in ClinVar:

ClinVar aggregate classification (germline): Uncertain significance (1 of 4 stars; one submission).

Conditions:
Neurodevelopmental disorder with hypotonia, language delay, and skeletal defects with or without seizures (NEDHLSS). Identifiers: MedGen C5774213, MONDO:0859286, OMIM 620029.

Submission:

3billion
Classification: Uncertain significance for Neurodevelopmental disorder with hypotonia, language delay, and skeletal defects with or without seizures. Last evaluated: 2025-09-03. Review status: criteria provided, single submitter. Criteria: ACMG Guidelines, 2015. Collection method: clinical testing. Allele origin: germline. Affected: yes.
Comment: The variant is not observed in the gnomAD v4.1.0 dataset. Predicted Consequence/Location: Stop-gained (nonsense): predicted to result in a loss or disruption of normal protein function through nonsense-mediated decay (NMD) or protein truncation. While the contribution of loss of function variants in CACNA1C to Neurodevelopmental disorder with hypotonia, language delay, and skeletal defects with or without seizures is incompletely understood, previously reportedloss of function variants in patients provide evidence supporting these variants as a mechanism of disease. (PMID: 34163037) Stop-gained (nonsense): predicted to result in a loss or disruption of normal protein function through nonsense-mediated decay (NMD) or protein truncation. While the contribution of loss of function variants in CACNA1C to Neurodevelopmental disorder with hypotonia, language delay, and skeletal defects with or without seizures is incompletely understood, previously reportedloss of function variants in patients provide evidence supporting these variants as a mechanism of disease. (PMID: 34163037) Therefore, this variant is classified as VUS according to the recommendation of ACMG/AMP guideline.

NM_000719.7(CACNA1C):c.3567C>A (p.Cys1189Ter)

Gene: CACNA1C (calcium voltage-gated channel subunit alpha1 C; plus strand). Cytogenetic location: 12p13.33.
Variant type: single nucleotide variant.
Coding change: c.3567C>A on transcript NM_000719.7 (MANE Select); coding-DNA position 3567, C replaced by A.
Protein change: p.Cys1189Ter; replaces cysteine 1189 with a stop codon.
Molecular consequence: nonsense.
Genome position (GRCh38, 1-based): chr12:2,610,549, C>A. VCF-style: chr12-2610549-C-A. GRCh37 (hg19) VCF-style: chr12-2719715-C-A.
Other names: c.3627C>A, p.Cys1209Ter (NM_001129827.2, NM_001129832.2, NM_199460.4); c.3567C>A, p.Cys1189Ter (NM_001129829.2, NM_001129830.3, NM_001129831.2 and 15 more transcripts); c.3558C>A, p.Cys1186Ter (NM_001129844.2); short protein forms C1186*, C1189*, C1209*.
Identifiers: ClinVar variation 4855213 (VCV004855213.1).